The following is an entry in ClinVar:

NM_001164508.2(NEB):c.20846C>T (p.Thr6949Met)

Gene: NEB (nebulin; minus strand). Cytogenetic location: 2q23.3.
Variant type: single nucleotide variant.
Coding change: c.20846C>T on transcript NM_001164508.2 (MANE Select); coding-DNA position 20846, C replaced by T.
Protein change: p.Thr6949Met; replaces threonine 6949 with methionine.
Molecular consequence: missense variant.
Genome position (GRCh38, 1-based): chr2:151,540,390, G>A on the plus strand (C>T on the coding strand, the complement: NEB is on the minus strand). VCF-style: chr2-151540390-G-A. GRCh37 (hg19) VCF-style: chr2-152396904-G-A.
Other names: c.20846C>T, p.Thr6949Met (NM_001164507.2, NM_001271208.2); c.15743C>T, p.Thr5248Met (NM_004543.5); short protein forms T6949M, T5248M.
Identifiers: ClinVar variation 577941 (VCV000577941.10), dbSNP rs767461697, ClinGen allele CA1907153.
Genomic context (GRCh38, chr2:151,540,390, plus strand): 5'-GAAGGGATGCATACATCACTGGCATTCCAGTAAGCCCTCTTGGCTCTGATGAGGATTGGC[G>A]TATCTGGAACCGGAGTGTACTTGTCTTTCATCTTTTCATATTGAATCTTGTACTTTTTCT-3'
Protein context (NP_001157980.2, residues 6939-6959): MKDKYTPVPD[Thr6949Met]PILIRAKRAY

ClinVar aggregate classification (germline): Conflicting classifications of pathogenicity. Review status: criteria provided, conflicting classifications (1 of 4 stars). 3 submissions from 3 submitters: Uncertain significance (1); Likely benign (1). 1 of the submissions does not count toward it. Last evaluated 2026-01-07.

Conditions:
Nemaline myopathy 2 (NEM2). Also called: Nemaline myopathy 2, autosomal recessive. Identifiers: MedGen C1850569, MONDO:0009725, OMIM 256030.

Allele frequency attached by ClinVar (database versions not stated): gnomAD 0.00001; gnomAD exomes 0.00002 and 0.00007; TOPMed 0.00004; ExAC 0.00013.
gnomAD v4.1: 27 of 1,586,308 alleles (0.0017%); highest among the groups gnomAD compares: Admixed American, 0.023%; no homozygotes.

Submissions (3):

Labcorp Genetics (formerly Invitae), Labcorp
Classification: Likely benign for Nemaline myopathy 2. Last evaluated: 2026-01-07. Review status: criteria provided, single submitter. Criteria: Invitae Variant Classification Sherloc (09022015). Collection method: clinical testing. Allele origin: germline.

GeneDx
Classification: Uncertain significance. Last evaluated: 2025-05-13. Review status: criteria provided, single submitter. Criteria: GeneDx Variant Classification Process June 2021. Collection method: clinical testing. Allele origin: germline. Affected: yes.
Comment: In silico analysis supports that this missense variant has a deleterious effect on protein structure/function; Has not been previously published as pathogenic or benign to our knowledge

Natera, Inc.
Classification: Uncertain significance for Nemaline myopathy type 2. Last evaluated: 2019-11-11. Review status: no assertion criteria provided. Collection method: clinical testing. Allele origin: germline. Not counted in ClinVar's aggregate classification.